The following is an entry in ClinVar:

ClinVar aggregate classification (germline): Likely pathogenic. Review status: criteria provided, multiple submitters, no conflicts (2 of 4 stars). 3 submissions from 3 submitters: Likely pathogenic (3). Last evaluated 2023-08-24.

Conditions:
Central core myopathy (CMYO1A). Also called: CONGENITAL MYOPATHY 1A, AUTOSOMAL DOMINANT, WITH SUSCEPTIBILITY TO MALIGNANT HYPERTHERMIA; Central core disease; Myopathy, central fibrillar. Identifiers: Orphanet 597, MedGen C5830701, MONDO:0007294, OMIM 117000.
Congenital myopathy with fiber type disproportion. Also called: Congenital fiber-type disproportion myopathy; Congenital fiber-type disproportion. Identifiers: Orphanet 2020, MedGen C0546264, MONDO:0009711. Inheritance: all.
King Denborough syndrome (KDS). Identifiers: MedGen C1840365, MONDO:0020485, OMIM 619542.
Malignant hyperthermia, susceptibility to, 1 (MHS1). Also called: RYR1-Related Malignant Hyperthermia Susceptibility; Anesthesia related hyperthermia; Malignant hyperpyrexia; Fulminating hyperpyrexia; Pharmacogenic myopathy; Malignant hyperthermia suceptibility 1. Identifiers: Orphanet 423, MedGen C2930980, MONDO:0007783, OMIM 145600.
Congenital multicore myopathy with external ophthalmoplegia (CMYO1B). Also called: Congenital myopathy 1B, autosomal recessive; Minicore myopathy; MULTIMINICORE DISEASE WITH EXTERNAL OPHTHALMOPLEGIA; Minicore myopathy with external ophthalmoplegia; MULTICORE MYOPATHY. Identifiers: Orphanet 598, Orphanet 98905, MedGen C1850674, MONDO:0009712, OMIM 255320, HP:0003789.
RYR1-related disorder. Also called: RYR1-related condition; RYR1-related disorders. Identifiers: MedGen CN239331.

Allele frequency attached by ClinVar (database versions not stated): gnomAD exomes below 0.00001.
gnomAD v4.1: 4 of 1,610,558 alleles (0.00025%); highest among the groups gnomAD compares: African/African-American, 0.0013%; no homozygotes.

Submissions (3):

Labcorp Genetics (formerly Invitae), Labcorp
Classification: Likely pathogenic for RYR1-related disorder. Last evaluated: 2023-08-24. Review status: criteria provided, single submitter. Criteria: Invitae Variant Classification Sherloc (09022015). Collection method: clinical testing. Allele origin: germline.
Comment: This sequence change affects an acceptor splice site in intron 48 of the RYR1 gene. It is expected to disrupt RNA splicing. Variants that disrupt the donor or acceptor splice site typically lead to a loss of protein function (PMID: 16199547), and loss-of-function variants in RYR1 are known to be pathogenic (PMID: 23919265, 25960145, 28818389, 30611313). This variant is not present in population databases (gnomAD no frequency). This variant has not been reported in the literature in individuals affected with RYR1-related conditions. ClinVar contains an entry for this variant (Variation ID: 560259). Algorithms developed to predict the effect of sequence changes on RNA splicing suggest that this variant may disrupt the consensus splice site. In summary, the currently available evidence indicates that the variant is pathogenic, but additional data are needed to prove that conclusively. Therefore, this variant has been classified as Likely Pathogenic.

Fulgent Genetics
Classification: Likely pathogenic for Central core myopathy; Malignant hyperthermia, susceptibility to, 1; Congenital myopathy 4A, autosomal dominant; Congenital multicore myopathy with external ophthalmoplegia; King Denborough syndrome. Last evaluated: 2021-11-16. Review status: criteria provided, single submitter. Criteria: ACMG Guidelines, 2015. Collection method: clinical testing. Allele origin: unknown.

Geisinger Autism and Developmental Medicine Institute, Geisinger Health System
Classification: Likely pathogenic for Central core myopathy; Malignant hyperthermia, susceptibility to, 1. Last evaluated: 2017-10-04. Review status: criteria provided, single submitter. Criteria: ACMG Guidelines, 2015. Collection method: provider interpretation, clinical testing. Allele origin: maternal. Observed: 1 variant allele.
Comment: This variant is absent from the gnomAD database and is expected to affect splicing since it alters a canonical splice site. This variant has not been reported previously in the literature, to our knowledge. A second variant of uncertain significance was identified in trans, but clinical correlation with recessive RYR1-related disorders was thought to be poor.

Literature cited by the submitters: PubMed 16199547 (cited by Labcorp Genetics (formerly Invitae), Labcorp); PubMed 23919265 (cited by Labcorp Genetics (formerly Invitae), Labcorp); PubMed 25960145 (cited by Labcorp Genetics (formerly Invitae), Labcorp); PubMed 28818389 (cited by Labcorp Genetics (formerly Invitae), Labcorp); PubMed 30611313 (cited by Labcorp Genetics (formerly Invitae), Labcorp).

NM_000540.3(RYR1):c.7836-1G>A

Gene: RYR1 (ryanodine receptor 1; plus strand). Cytogenetic location: 19q13.2.
Variant type: single nucleotide variant.
Coding change: c.7836-1G>A on transcript NM_000540.3 (MANE Select); the canonical splice acceptor site of the intron before coding-DNA position 7836, G replaced by A.
Molecular consequence: splice acceptor variant.
Genome position (GRCh38, 1-based): chr19:38,502,879, G>A. VCF-style: chr19-38502879-G-A. GRCh37 (hg19) VCF-style: chr19-38993519-G-A.
Other names: c.7836-1G>A (NM_001042723.2).
Identifiers: ClinVar variation 560259 (VCV000560259.7), dbSNP rs1568507354, ClinGen allele CA082842.